The following is an entry in ClinVar:

ClinVar aggregate classification (germline): Uncertain significance (1 of 4 stars; one submission).

Conditions:
Inborn genetic diseases. Identifiers: MedGen C0950123, MeSH D030342.

gnomAD v4.1: 3 of 1,613,968 alleles (0.00019%); highest among the groups gnomAD compares: Non-Finnish European, 0.00025%; no homozygotes.

Submission:

Ambry Genetics
Classification: Uncertain significance for Inborn genetic diseases. Last evaluated: 2025-07-19. Review status: criteria provided, single submitter. Criteria: Ambry Variant Classification Scheme 2023. Collection method: clinical testing. Allele origin: germline.
Comment: The p.I621T variant (also known as c.1862T>C), located in coding exon 1 of the SAMD9L gene, results from a T to C substitution at nucleotide position 1862. The isoleucine at codon 621 is replaced by threonine, an amino acid with similar properties. This amino acid position is conserved. In addition, this alteration is predicted to be tolerated by in silico analysis. Based on the available evidence, the clinical significance of this variant remains unclear.

NM_152703.5(SAMD9L):c.1862T>C (p.Ile621Thr)

Gene: SAMD9L (sterile alpha motif domain containing 9 like; minus strand). Cytogenetic location: 7q21.2.
Variant type: single nucleotide variant.
Coding change: c.1862T>C on transcript NM_152703.5 (MANE Select); coding-DNA position 1862, T replaced by C.
Protein change: p.Ile621Thr; replaces isoleucine 621 with threonine.
Molecular consequence: missense variant.
Genome position (GRCh38, 1-based): chr7:93,134,110, A>G on the plus strand (T>C on the coding strand, the complement: SAMD9L is on the minus strand). VCF-style: chr7-93134110-A-G. GRCh37 (hg19) VCF-style: chr7-92763423-A-G.
Other names: c.1862T>C, p.Ile621Thr (NM_001303496.3, NM_001303497.3, NM_001303498.3 and 5 more transcripts); short protein forms I621T.
Identifiers: ClinVar variation 4159346 (VCV004159346.1).
Genomic context (GRCh38, chr7:93,134,110, plus strand): 5'-GAAGATCCACGGGCGGGCAAAAACCTTCTTGATGACCGAGTCACCGATTTTAGTTTAAGG[A>G]TAGTGCTGTTTACCAGTTCTATATTTAAAGTGGAAATACTGTGGTTTGTTAGTTCATCTT-3'
Protein context (NP_689916.2, residues 611-631): TLNIELVNST[Ile621Thr]LKLKSVTRSS